The following is an entry in ClinVar:

ClinVar aggregate classification (germline): Uncertain significance. Review status: criteria provided, multiple submitters, no conflicts (2 of 4 stars). 3 submissions from 3 submitters: Uncertain significance (2). 1 of the submissions does not count toward it. Last evaluated 2025-02-08.

Conditions:
Brachyolmia-amelogenesis imperfecta syndrome. Also called: Tooth agenesis, selective, 6; Dental anomalies and short stature; PLATYSPONDYLY WITH AMELOGENESIS IMPERFECTA. Identifiers: Orphanet 2899, MedGen C1832594, MONDO:0011018, OMIM 601216. Disease mechanism: loss of function.
LTBP3-related disorder. Also called: LTBP3-related condition.
Inborn genetic diseases. Identifiers: MedGen C0950123, MeSH D030342.

Allele frequency attached by ClinVar (database versions not stated): gnomAD 0.00004 and 0.00008; gnomAD exomes 0.00012 and 0.00023; ExAC 0.00029; 1000 Genomes Project 30x 0.00078; 1000 Genomes Project 0.00080.
gnomAD v4.1: 195 of 1,614,118 alleles (0.012%); highest among the groups gnomAD compares: East Asian, 0.16%; no homozygotes.

Submissions (3):

Labcorp Genetics (formerly Invitae), Labcorp
Classification: Uncertain significance for Brachyolmia-amelogenesis imperfecta syndrome. Last evaluated: 2025-02-08. Review status: criteria provided, single submitter. Criteria: Invitae Variant Classification Sherloc (09022015). Collection method: clinical testing. Allele origin: germline.
Comment: This sequence change replaces isoleucine, which is neutral and non-polar, with threonine, which is neutral and polar, at codon 837 of the LTBP3 protein (p.Ile837Thr). This variant is present in population databases (rs570630736, gnomAD 0.2%). This variant has not been reported in the literature in individuals affected with LTBP3-related conditions. ClinVar contains an entry for this variant (Variation ID: 1516424). An algorithm developed to predict the effect of missense changes on protein structure and function (PolyPhen-2) suggests that this variant is likely to be tolerated. In summary, the available evidence is currently insufficient to determine the role of this variant in disease. Therefore, it has been classified as a Variant of Uncertain Significance.

Ambry Genetics
Classification: Uncertain significance for Inborn genetic diseases. Last evaluated: 2021-07-08. Review status: criteria provided, single submitter. Criteria: Ambry Variant Classification Scheme 2023. Collection method: clinical testing. Allele origin: germline.
Comment: The p.I837T variant (also known as c.2510T>C), located in coding exon 18 of the LTBP3 gene, results from a T to C substitution at nucleotide position 2510. The isoleucine at codon 837 is replaced by threonine, an amino acid with similar properties. This amino acid position is conserved. In addition, the in silico prediction for this alteration is inconclusive. Since supporting evidence is limited at this time, the clinical significance of this alteration remains unclear.

PreventionGenetics, part of Exact Sciences
Classification: Likely benign for LTBP3-related condition. Last evaluated: 2023-10-23. Review status: no assertion criteria provided. Collection method: clinical testing. Allele origin: germline. Not counted in ClinVar's aggregate classification.
Comment: This variant is classified as likely benign based on ACMG/AMP sequence variant interpretation guidelines (Richards et al. 2015 PMID: 25741868, with internal and published modifications).

NM_001130144.3(LTBP3):c.2510T>C (p.Ile837Thr)

Gene: LTBP3 (latent transforming growth factor beta binding protein 3; minus strand). Cytogenetic location: 11q13.1.
Variant type: single nucleotide variant.
Coding change: c.2510T>C on transcript NM_001130144.3 (MANE Select); coding-DNA position 2510, T replaced by C.
Protein change: p.Ile837Thr; replaces isoleucine 837 with threonine.
Molecular consequence: missense variant.
Genome position (GRCh38, 1-based): chr11:65,543,191, A>G on the plus strand (T>C on the coding strand, the complement: LTBP3 is on the minus strand). VCF-style: chr11-65543191-A-G. GRCh37 (hg19) VCF-style: chr11-65310662-A-G.
Other names: c.2159T>C, p.Ile720Thr (NM_001164266.1); c.2510T>C, p.Ile837Thr (NM_021070.4); short protein forms I837T, I720T.
Identifiers: ClinVar variation 1516424 (VCV001516424.12), dbSNP rs570630736, ClinGen allele CA6100576.